The following is an entry in ClinVar:

NM_005562.3(LAMC2):c.2706G>A (p.Trp902Ter)

Gene: LAMC2 (laminin subunit gamma 2; plus strand). Cytogenetic location: 1q25.3.
Variant type: single nucleotide variant.
Coding change: c.2706G>A on transcript NM_005562.3 (MANE Select); coding-DNA position 2706, G replaced by A.
Protein change: p.Trp902Ter; replaces tryptophan 902 with a stop codon.
Molecular consequence: nonsense.
Genome position (GRCh38, 1-based): chr1:183,237,456, G>A. VCF-style: chr1-183237456-G-A. GRCh37 (hg19) VCF-style: chr1-183206591-G-A.
Other names: c.2706G>A, p.Trp902Ter (NM_018891.3); short protein forms W902*.
Identifiers: ClinVar variation 1726903 (VCV001726903.2), dbSNP rs2526117873, ClinGen allele CA343698612.
Genomic context (GRCh38, chr1:183,237,456, plus strand): 5'-AAGCCTGGTAACCAGGCATATGGATGAGTTCAAGCGTACACAGAAGAATCTGGGAAACTG[G>A]AAAGAAGAAGCACAGCAGCTCTTACAGAATGGAAAAAGTGGGAGAGAGGTATTCTTTTGT-3'

ClinVar aggregate classification (germline): Likely pathogenic (1 of 4 stars; one submission).

Conditions:
Junctional epidermolysis bullosa gravis of Herlitz. Also called: Herlitz-type junctional epidermolysis bullosa; EPIDERMOLYSIS BULLOSA, JUNCTIONAL 1B, SEVERE; EPIDERMOLYSIS BULLOSA JUNCTIONALIS, HERLITZ TYPE; EPIDERMOLYSIS BULLOSA, JUNCTIONAL, HERLITZ-PEARSON TYPE; JEB-HERLITZ TYPE; Epidermolysis Bullosa Letalis. Identifiers: Orphanet 79404, MedGen C0079683, MONDO:0009182, OMIM 226700.

Submission:

Myriad Genetics, Inc.
Classification: Likely pathogenic for Junctional epidermolysis bullosa gravis of Herlitz. Last evaluated: 2022-03-17. Review status: criteria provided, single submitter. Criteria: Myriad Women's Health Autosomal Recessive and X-Linked Classification Criteria (2021). Collection method: clinical testing. Allele origin: unknown.
Comment: NM_005562.2(LAMC2):c.2706G>A(W902*) is expected to be pathogenic in the context of junctional epidermolysis bullosa, LAMC2-related. This variant is predicted to lead to an abnormal or absent protein product due to the creation of a premature termination codon in LAMC2, a gene where loss-of-function variants are known to be pathogenic. Please note: this variant was assessed in the context of healthy population screening.